The following is an entry in ClinVar:

NM_005431.2(XRCC2):c.720T>C (p.Phe240=)

Gene: XRCC2 (X-ray repair cross complementing 2; minus strand). Cytogenetic location: 7q36.1.
Variant type: single nucleotide variant.
Coding change: c.720T>C on transcript NM_005431.2 (MANE Select); coding-DNA position 720, T replaced by C.
Protein change: p.Phe240=; no amino-acid change (phenylalanine 240 retained).
Molecular consequence: synonymous variant.
Genome position (GRCh38, 1-based): chr7:152,648,765, A>G on the plus strand (T>C on the coding strand, the complement: XRCC2 is on the minus strand). VCF-style: chr7-152648765-A-G. GRCh37 (hg19) VCF-style: chr7-152345850-A-G.
Identifiers: ClinVar variation 383840 (VCV000383840.5), dbSNP rs1057521753, ClinGen allele CA16605087.

ClinVar aggregate classification (germline): Likely benign. Review status: criteria provided, multiple submitters, no conflicts (2 of 4 stars). 2 submissions from 2 submitters: Likely benign (2). Last evaluated 2018-12-14.

Conditions:
Hereditary cancer-predisposing syndrome. Also called: Hereditary Cancer Syndrome; Hereditary neoplastic syndrome; Neoplastic Syndromes, Hereditary; Tumor predisposition. Identifiers: Orphanet 140162, MedGen C0027672, MeSH D009386, MONDO:0015356.

Submissions (2):

Ambry Genetics
Classification: Likely benign for Hereditary cancer-predisposing syndrome. Last evaluated: 2018-12-14. Review status: criteria provided, single submitter. Criteria: Ambry Variant Classification Scheme 2023. Collection method: clinical testing. Allele origin: germline.

GeneDx
Classification: Likely benign. Last evaluated: 2016-02-10. Review status: criteria provided, single submitter. Criteria: GeneDx Variant Classification (06012015). Collection method: clinical testing. Allele origin: germline. Affected: yes.
Comment: This variant is considered likely benign or benign based on one or more of the following criteria: it is a conservative change, it occurs at a poorly conserved position in the protein, it is predicted to be benign by multiple in silico algorithms, and/or has population frequency not consistent with disease.